The following is an entry in ClinVar:

ClinVar aggregate classification (germline): Uncertain significance (1 of 4 stars; one submission).

Submission:

Ambry Genetics
Classification: Uncertain significance. Last evaluated: 2025-09-23. Review status: criteria provided, single submitter. Criteria: Ambry Variant Classification Scheme 2023. Collection method: clinical testing. Allele origin: germline.
Comment: The c.5142C>T variant (also known as p.A1714A), located in coding exon 44 of the KIF1B gene, results from a C to T substitution at nucleotide position 5142. This nucleotide substitution does not change the amino acid at codon 1714. This nucleotide position is not well conserved in available vertebrate species. In silico splice site analysis for this alteration is inconclusive. The evidence for this gene-disease relationship is limited; therefore, the clinical significance of this alteration is unclear.

NM_001365951.3(KIF1B):c.5280C>T (p.Ala1760=)

Gene: KIF1B (kinesin family member 1B; plus strand). Cytogenetic location: 1p36.22.
Variant type: single nucleotide variant.
Coding change: c.5280C>T on transcript NM_001365951.3 (MANE Select); coding-DNA position 5280, C replaced by T.
Protein change: p.Ala1760=; no amino-acid change (alanine 1760 retained).
Molecular consequence: synonymous variant.
Genome position (GRCh38, 1-based): chr1:10,375,037, C>T. VCF-style: chr1-10375037-C-T. GRCh37 (hg19) VCF-style: chr1-10435095-C-T.
Other names: c.5280C>T, p.Ala1760= (NM_001365952.1); c.5142C>T, p.Ala1714= (NM_015074.3).
Identifiers: ClinVar variation 4543614 (VCV004543614.1).